The following is an entry in ClinVar:

ClinVar aggregate classification (germline): Likely benign (0 of 4 stars; one submission).

Conditions:
PKD1L1-related disorder. Also called: PKD1L1-related condition.

Allele frequency attached by ClinVar (database versions not stated): ExAC 0.00001; TOPMed 0.00006; gnomAD 0.00007; 1000 Genomes Project 0.00020; 1000 Genomes Project 30x 0.00031.
gnomAD v4.1: 16 of 1,588,004 alleles (0.001%); highest among the groups gnomAD compares: African/African-American, 0.021%; no homozygotes.

Submission:

PreventionGenetics, part of Exact Sciences
Classification: Likely benign for PKD1L1-related condition. Last evaluated: 2022-01-05. Review status: no assertion criteria provided. Collection method: clinical testing. Allele origin: germline.
Comment: This variant is classified as likely benign based on ACMG/AMP sequence variant interpretation guidelines (Richards et al. 2015 PMID: 25741868, with internal and published modifications).

NM_138295.5(PKD1L1):c.3785-3C>T

Gene: PKD1L1 (polycystin 1 like 1, transient receptor potential channel interacting; minus strand). Cytogenetic location: 7p12.3.
Variant type: single nucleotide variant.
Coding change: c.3785-3C>T on transcript NM_138295.5 (MANE Select); 3 bases into the intron before coding-DNA position 3785, C replaced by T.
Molecular consequence: intron variant.
Genome position (GRCh38, 1-based): chr7:47,874,013, G>A on the plus strand (C>T on the coding strand, the complement: PKD1L1 is on the minus strand). VCF-style: chr7-47874013-G-A. GRCh37 (hg19) VCF-style: chr7-47913611-G-A.
Identifiers: ClinVar variation 3061670 (VCV003061670.2), dbSNP rs541457323, ClinGen allele CA4253304.
Genomic context (GRCh38, chr7:47,874,013, plus strand): 5'-ACAGTGCACGGCTGGACCTTGGAGCCTTTGCCATCTGTGATTTCAGTGGAAACCATGACT[G>A]TGAGGGAACATGTCAGAAGAGGGTCATCTTGGACATGTGGGTTACAGAGATGCTTCTTCA-3'